The following is an entry in ClinVar:

NM_006565.4(CTCF):c.1586A>T (p.Asp529Val)

Gene: CTCF (CCCTC-binding factor; plus strand). Cytogenetic location: 16q22.1.
Variant type: single nucleotide variant.
Coding change: c.1586A>T on transcript NM_006565.4 (MANE Select); coding-DNA position 1586, A replaced by T.
Protein change: p.Asp529Val; replaces aspartic acid 529 with valine.
Molecular consequence: missense variant.
Genome position (GRCh38, 1-based): chr16:67,628,437, A>T. VCF-style: chr16-67628437-A-T. GRCh37 (hg19) VCF-style: chr16-67662340-A-T.
Other names: c.602A>T, p.Asp201Val (NM_001191022.2); c.1586A>T, p.Asp529Val (NM_001363916.2); short protein forms D201V, D529V.
Identifiers: ClinVar variation 3372932 (VCV003372932.1).

ClinVar aggregate classification (germline): Uncertain significance (1 of 4 stars; one submission).

Submission:

GeneDx
Classification: Uncertain significance. Last evaluated: 2024-05-02. Review status: criteria provided, single submitter. Criteria: GeneDx Variant Classification Process June 2021. Collection method: clinical testing. Allele origin: germline. Affected: yes.
Comment: Not observed at significant frequency in large population cohorts (gnomAD); In silico analysis supports that this missense variant has a deleterious effect on protein structure/function; Has not been previously published as pathogenic or benign to our knowledge